The following is an entry in ClinVar:

ClinVar aggregate classification (germline): Uncertain significance (1 of 4 stars; one submission).

Conditions:
Familial cancer of breast. Also called: Hereditary breast cancer; hereditary breast carcinoma; BREAST CANCER, FAMILIAL. Identifiers: Orphanet 227535, MedGen C0346153, MONDO:0016419, OMIM 114480. Disease mechanism: loss of function.

Submission:

Labcorp Genetics (formerly Invitae), Labcorp
Classification: Uncertain significance for Familial cancer of breast. Last evaluated: 2021-08-24. Review status: criteria provided, single submitter. Criteria: Invitae Variant Classification Sherloc (09022015). Collection method: clinical testing. Allele origin: germline.
Comment: Algorithms developed to predict the effect of missense changes on protein structure and function are either unavailable or do not agree on the potential impact of this missense change (SIFT: "Deleterious"; PolyPhen-2: "Probably Damaging"; Align-GVGD: "Class C0"). ClinVar contains an entry for this variant (Variation ID: 1046091). This variant has not been reported in the literature in individuals affected with CHEK2-related conditions. This variant is not present in population databases (ExAC no frequency). This sequence change replaces leucine with arginine at codon 332 of the CHEK2 protein (p.Leu332Arg). The leucine residue is highly conserved and there is a moderate physicochemical difference between leucine and arginine. In summary, the available evidence is currently insufficient to determine the role of this variant in disease. Therefore, it has been classified as a Variant of Uncertain Significance.

NM_007194.4(CHEK2):c.995T>G (p.Leu332Arg)

Gene: CHEK2 (checkpoint kinase 2; minus strand). Cytogenetic location: 22q12.1.
Variant type: single nucleotide variant.
Coding change: c.995T>G on transcript NM_007194.4 (MANE Select); coding-DNA position 995, T replaced by G.
Protein change: p.Leu332Arg; replaces leucine 332 with arginine.
Molecular consequence: missense variant.
Genome position (GRCh38, 1-based): chr22:28,699,851, A>C on the plus strand (T>G on the coding strand, the complement: CHEK2 is on the minus strand). VCF-style: chr22-28699851-A-C. GRCh37 (hg19) VCF-style: chr22-29095839-A-C.
Other names: c.1124T>G, p.Leu375Arg (NM_001005735.3); c.332T>G, p.Leu111Arg (NM_001257387.3); c.794T>G, p.Leu265Arg (NM_001349956.3); c.995T>G, p.Leu332Arg (NM_145862.3); short protein forms L375R, L265R, L332R, L111R.
Identifiers: ClinVar variation 1046091 (VCV001046091.9), dbSNP rs1555915337, ClinGen allele CA411099414.